The following is an entry in ClinVar:

ClinVar aggregate classification (germline): Uncertain significance (1 of 4 stars; one submission).

Submission:

Labcorp Genetics (formerly Invitae), Labcorp
Classification: Uncertain significance. Last evaluated: 2022-11-15. Review status: criteria provided, single submitter. Criteria: Invitae Variant Classification Sherloc (09022015). Collection method: clinical testing. Allele origin: germline.
Comment: This variant has not been reported in the literature in individuals affected with ZNF408-related conditions. This sequence change creates a premature translational stop signal (p.Gln413*) in the ZNF408 gene. While this is not anticipated to result in nonsense mediated decay, it is expected to disrupt the last 308 amino acid(s) of the ZNF408 protein. This variant is not present in population databases (gnomAD no frequency). In summary, the available evidence is currently insufficient to determine the role of this variant in disease. Therefore, it has been classified as a Variant of Uncertain Significance.

NM_024741.3(ZNF408):c.1237C>T (p.Gln413Ter)

Gene: ZNF408 (zinc finger protein 408; plus strand). Cytogenetic location: 11p11.2.
Variant type: single nucleotide variant.
Coding change: c.1237C>T on transcript NM_024741.3 (MANE Select); coding-DNA position 1237, C replaced by T.
Protein change: p.Gln413Ter; replaces glutamine 413 with a stop codon.
Molecular consequence: nonsense.
Genome position (GRCh38, 1-based): chr11:46,704,937, C>T. VCF-style: chr11-46704937-C-T. GRCh37 (hg19) VCF-style: chr11-46726487-C-T.
Other names: c.1213C>T, p.Gln405Ter (NM_001184751.2); short protein forms Q413*, Q405*.
Identifiers: ClinVar variation 2029489 (VCV002029489.4), dbSNP rs2502794774, ClinGen allele CA380255416.